The following is an entry in ClinVar:

ClinVar aggregate classification (germline): Uncertain significance. Review status: criteria provided, multiple submitters, no conflicts (2 of 4 stars). 2 submissions from 2 submitters: Uncertain significance (2). Last evaluated 2025-08-08.

Conditions:
Hereditary spastic paraplegia 4. Also called: Spastic paraplegia 4, autosomal dominant; Spastic Paraplegia 4; Familial spastic paraplegia autosomal dominant 2. Identifiers: Orphanet 100985, MedGen C1866855, MONDO:0008438, OMIM 182601.
Inborn genetic diseases. Identifiers: MedGen C0950123, MeSH D030342.

Allele frequency attached by ClinVar (database versions not stated): gnomAD exomes below 0.00001.
gnomAD v4.1: 1 of 1,611,408 alleles (0.000062%); highest among the groups gnomAD compares: South Asian, 0.0011%; no homozygotes.

Submissions (2):

Ambry Genetics
Classification: Uncertain significance for Inborn genetic diseases. Last evaluated: 2025-08-08. Review status: criteria provided, single submitter. Criteria: Ambry Variant Classification Scheme 2023. Collection method: clinical testing. Allele origin: germline.
Comment: The c.916A>G (p.T306A) alteration is located in exon 6 (coding exon 6) of the SPAST gene. This alteration results from an A to G substitution at nucleotide position 916, causing the threonine (T) at amino acid position 306 to be replaced by an alanine (A). This variant was not reported in population-based cohorts in the Genome Aggregation Database (gnomAD). This amino acid position is well conserved in available vertebrate species. This amino acid alteration is predicted to be tolerated by in silico analysis. In silico splice site analysis predicts that this nucleotide alteration will result in the creation or strengthening of a novel splice acceptor site. Based on insufficient or conflicting evidence, the clinical significance of this alteration remains unclear.

Labcorp Genetics (formerly Invitae), Labcorp
Classification: Uncertain significance for Hereditary spastic paraplegia 4. Last evaluated: 2024-06-03. Review status: criteria provided, single submitter. Criteria: Invitae Variant Classification Sherloc (09022015). Collection method: clinical testing. Allele origin: germline.
Comment: This sequence change replaces threonine, which is neutral and polar, with alanine, which is neutral and non-polar, at codon 306 of the SPAST protein (p.Thr306Ala). This variant is not present in population databases (gnomAD no frequency). This variant has not been reported in the literature in individuals affected with SPAST-related conditions. Advanced modeling of protein sequence and biophysical properties (such as structural, functional, and spatial information, amino acid conservation, physicochemical variation, residue mobility, and thermodynamic stability) performed at Invitae indicates that this missense variant is not expected to disrupt SPAST protein function with a negative predictive value of 80%. Algorithms developed to predict the effect of sequence changes on RNA splicing suggest that this variant may create or strengthen a splice site. In summary, the available evidence is currently insufficient to determine the role of this variant in disease. Therefore, it has been classified as a Variant of Uncertain Significance.

NM_014946.4(SPAST):c.916A>G (p.Thr306Ala)

Gene: SPAST (spastin; plus strand). Cytogenetic location: 2p22.3.
Variant type: single nucleotide variant.
Coding change: c.916A>G on transcript NM_014946.4 (MANE Select); coding-DNA position 916, A replaced by G.
Protein change: p.Thr306Ala; replaces threonine 306 with alanine.
Molecular consequence: missense variant.
Genome position (GRCh38, 1-based): chr2:32,115,747, A>G. VCF-style: chr2-32115747-A-G. GRCh37 (hg19) VCF-style: chr2-32340816-A-G.
Other names: c.913A>G, p.Thr305Ala (NM_001363823.2); c.817A>G, p.Thr273Ala (NM_001363875.2); c.820A>G, p.Thr274Ala (NM_001377959.1, NM_199436.2); short protein forms T305A, T274A, T306A, T273A.
Identifiers: ClinVar variation 2836839 (VCV002836839.4), dbSNP rs2465838300, ClinGen allele CA346499171.
Genomic context (GRCh38, chr2:32,115,747, plus strand): 5'-TTTGTATCCTTTAAGGGTACTCCGAAAACAAATAGGACAAATAAACCTTCTACCCCTACA[A>G]CTGCTACTCGTAAGAAAAAAGACTTGAAGAATTTTAGGAATGTGGACAGCAACCTTGCTA-3'
Protein context (NP_055761.2, residues 296-316): NRTNKPSTPT[Thr306Ala]ATRKKKDLKN